The following is an entry in ClinVar:

NM_021098.3(CACNA1H):c.1213-18C>A

Gene: CACNA1H (calcium voltage-gated channel subunit alpha1 H; plus strand). Cytogenetic location: 16p13.3.
Variant type: single nucleotide variant.
Coding change: c.1213-18C>A on transcript NM_021098.3 (MANE Select); 18 bases into the intron before coding-DNA position 1213, C replaced by A.
Molecular consequence: intron variant.
Genome position (GRCh38, 1-based): chr16:1,201,645, C>A. VCF-style: chr16-1201645-C-A. GRCh37 (hg19) VCF-style: chr16-1251645-C-A.
Other names: c.1213-18C>A (NM_001005407.2).
Identifiers: ClinVar variation 1376220 (VCV001376220.6), dbSNP rs57432507, ClinGen allele CA620691528.

ClinVar aggregate classification (germline): Uncertain significance (1 of 4 stars; one submission).

Conditions:
Idiopathic generalized epilepsy. Also called: EIG; Generalised epilepsy. Identifiers: MedGen C0270850, MONDO:0005579, OMIM 600669.
Hyperaldosteronism, familial, type IV (HALD4). Also called: FH IV; ALDOSTERONISM, PRIMARY, AND HYPERTENSION. Identifiers: Orphanet 642671, MedGen C4310756, MONDO:0014875, OMIM 617027.

gnomAD v4.1: 5 of 1,555,598 alleles (0.00032%); highest among the groups gnomAD compares: Non-Finnish European, 0.00043%; no homozygotes.

Submission:

Labcorp Genetics (formerly Invitae), Labcorp
Classification: Uncertain significance for Idiopathic generalized epilepsy; Hyperaldosteronism, familial, type IV. Last evaluated: 2022-07-19. Review status: criteria provided, single submitter. Criteria: Invitae Variant Classification Sherloc (09022015). Collection method: clinical testing. Allele origin: germline.
Comment: In summary, the available evidence is currently insufficient to determine the role of this variant in disease. Therefore, it has been classified as a Variant of Uncertain Significance. Algorithms developed to predict the effect of sequence changes on RNA splicing suggest that this variant may create or strengthen a splice site. ClinVar contains an entry for this variant (Variation ID: 1376220). This variant has not been reported in the literature in individuals affected with CACNA1H-related conditions. This variant is not present in population databases (gnomAD no frequency). This sequence change falls in intron 8 of the CACNA1H gene. It does not directly change the encoded amino acid sequence of the CACNA1H protein.